The following is an entry in ClinVar:

ClinVar aggregate classification (germline): Uncertain significance (1 of 4 stars; one submission).

Conditions:
Pitt-Hopkins-like syndrome 2 (PTHSL2). Identifiers: Orphanet 221150, Orphanet 600663, MedGen C3280479, MONDO:0013690, OMIM 614325.

gnomAD v4.1: 15 of 1,613,928 alleles (0.00093%); highest among the groups gnomAD compares: Non-Finnish European, 0.0013%; no homozygotes.

Submission:

Labcorp Genetics (formerly Invitae), Labcorp
Classification: Uncertain significance for Pitt-Hopkins-like syndrome 2. Last evaluated: 2024-03-05. Review status: criteria provided, single submitter. Criteria: Invitae Variant Classification Sherloc (09022015). Collection method: clinical testing. Allele origin: germline.
Comment: This sequence change replaces arginine, which is basic and polar, with lysine, which is basic and polar, at codon 1454 of the NRXN1 protein (p.Arg1454Lys). This variant is present in population databases (rs373723029, gnomAD 0.0009%). This variant has not been reported in the literature in individuals affected with NRXN1-related conditions. An algorithm developed to predict the effect of missense changes on protein structure and function (PolyPhen-2) suggests that this variant is likely to be tolerated. In summary, the available evidence is currently insufficient to determine the role of this variant in disease. Therefore, it has been classified as a Variant of Uncertain Significance.

NM_001330078.2(NRXN1):c.4241G>A (p.Arg1414Lys)

Gene: NRXN1 (neurexin 1; minus strand). Cytogenetic location: 2p16.3.
Variant type: single nucleotide variant.
Coding change: c.4241G>A on transcript NM_001330078.2 (MANE Select); coding-DNA position 4241, G replaced by A.
Protein change: p.Arg1414Lys; replaces arginine 1414 with lysine.
Molecular consequence: missense variant.
Genome position (GRCh38, 1-based): chr2:49,922,227, C>T on the plus strand (G>A on the coding strand, the complement: NRXN1 is on the minus strand). VCF-style: chr2-49922227-C-T. GRCh37 (hg19) VCF-style: chr2-50149365-C-T.
Other names: c.4361G>A, p.Arg1454Lys (NM_001135659.3); c.146G>A, p.Arg49Lys (NM_001320156.4); c.137G>A, p.Arg46Lys (NM_001320157.4); c.4217G>A, p.Arg1406Lys (NM_001330077.2); c.4208G>A, p.Arg1403Lys (NM_001330082.2); c.4076G>A, p.Arg1359Lys (NM_001330083.2); c.4175G>A, p.Arg1392Lys (NM_001330084.2); c.4214G>A, p.Arg1405Lys (NM_001330085.2); and 12 more; short protein forms R1367K, R1392K, R1414K, R349K, R46K, R1384K, R1407K, R1411K.
Identifiers: ClinVar variation 3674005 (VCV003674005.2).
Genomic context (GRCh38, chr2:49,922,227, plus strand): 5'-ACCATACCCGTGGTGCTGCTGGACTCCCGGATCACTTCTGCTGAGCCTGGATACGGCTCT[C>T]TGCCGCCTGCTCGGGTTGGGTTGGCTATAGAAAAGAGGATGAGAACAAACACAAAGTGAT-3'
Protein context (NP_001317007.1, residues 1404-1424): GLANPTRAGG[Arg1414Lys]EPYPGSAEVI